The following is an entry in ClinVar:

NM_001365951.3(KIF1B):c.2864T>G (p.Leu955Arg)

Genes: KIF1B (kinesin family member 1B; plus strand), LOC126805614 (BRD4-independent group 4 enhancer GRCh37_chr1:10385546-10386745; plus strand). Cytogenetic location: 1p36.22.
Variant type: single nucleotide variant.
Coding change: c.2864T>G on transcript NM_001365951.3 (MANE Select); coding-DNA position 2864, T replaced by G.
Protein change: p.Leu955Arg; replaces leucine 955 with arginine.
Molecular consequence: missense variant.
Genome position (GRCh38, 1-based): chr1:10,326,299, T>G. VCF-style: chr1-10326299-T-G. GRCh37 (hg19) VCF-style: chr1-10386357-T-G.
Other names: c.2864T>G, p.Leu955Arg (NM_001365952.1); c.2726T>G, p.Leu909Arg (NM_015074.3); short protein forms L955R, L909R.
Identifiers: ClinVar variation 4092356 (VCV004092356.1).
Genomic context (GRCh38, chr1:10,326,299, plus strand): 5'-ATGATGAGGCATTCGTGGATGACGCCGGCTCTGACGCAGGGACGGAGGAGGGATCAGATC[T>G]CTTCAGTGACGGGCATGACCCGTTTTACGACCGATCCCCTTGGTTCATTTTAGTGGGAAG-3'
Protein context (NP_001352880.1, residues 945-965): SDAGTEEGSD[Leu955Arg]FSDGHDPFYD

ClinVar aggregate classification (germline): Uncertain significance (1 of 4 stars; one submission).

Submission:

Ambry Genetics
Classification: Uncertain significance. Last evaluated: 2025-08-02. Review status: criteria provided, single submitter. Criteria: Ambry Variant Classification Scheme 2023. Collection method: clinical testing. Allele origin: germline.
Comment: The p.L909R variant (also known as c.2726T>G), located in coding exon 24 of the KIF1B gene, results from a T to G substitution at nucleotide position 2726. The leucine at codon 909 is replaced by arginine, an amino acid with dissimilar properties. This amino acid position is conserved. In addition, the in silico prediction for this alteration is inconclusive. Based on the available evidence, the clinical significance of this variant remains unclear.